The following is an entry in ClinVar:

NM_001370259.2(MEN1):c.1762AAG[1] (p.Lys589del)

Gene: MEN1 (menin 1; minus strand). Cytogenetic location: 11q13.1.
Variant type: Microsatellite.
Coding change: c.1762AAG[1] on transcript NM_001370259.2 (MANE Select); one copy of the 3-base unit AAG starting at c.1762; the reference has two copies in a row; one copy, 3 bases deleted.
Protein change: p.Lys589del; deletes lysine 589.
Molecular consequence: inframe deletion.
Genome position (GRCh38, 1-based): chr11:64,804,400-64,804,402, CTT deleted on the plus strand (AAG on the coding strand, the reverse complement: MEN1 is on the minus strand); deleting any 3 consecutive bases within chr11:64,804,400-64,804,406 gives the same sequence; the position shown is the placement nearest the transcript's 3' end. VCF-style (leftmost placement, unchanged base first): chr11-64804399-GCTT-G. GRCh37 (hg19) VCF-style: chr11-64571871-GCTT-G.
Other names: c.1765_1767delAAG (NM_130799.2); c.1777AAG[1], p.Lys594del (NM_000244.4, NM_130800.3, NM_130801.3 and 3 more transcripts); c.1888AAG[1], p.Lys631del (NM_001370251.2); c.1762AAG[1], p.Lys589del (NM_001370260.2, NM_001370261.2, NM_130799.3); c.1657AAG[1], p.Lys554del (NM_001370262.2, NM_001370263.2); short protein forms K589del, K594del, K631del, K554del.
Identifiers: ClinVar variation 573100 (VCV000573100.12), dbSNP rs1303070443, ClinGen allele CA599804036.

ClinVar aggregate classification (germline): Uncertain significance. Review status: criteria provided, multiple submitters, no conflicts (2 of 4 stars). 2 submissions from 2 submitters: Uncertain significance (2). Last evaluated 2025-06-20.

Conditions:
Hereditary cancer-predisposing syndrome. Also called: Hereditary neoplastic syndrome; Neoplastic Syndromes, Hereditary; Hereditary Cancer Syndrome; Tumor predisposition. Identifiers: Orphanet 140162, MedGen C0027672, MeSH D009386, MONDO:0015356.
Multiple endocrine neoplasia, type 1 (MEN1). Also called: WERMER SYNDROME; Endocrine adenomatosis multiple; MEN 1; MEA I; MEN I. Identifiers: Orphanet 652, MedGen C0025267, MeSH D018761, MONDO:0007540, OMIM 131100.

Submissions (2):

Labcorp Genetics (formerly Invitae), Labcorp
Classification: Uncertain significance for Multiple endocrine neoplasia, type 1. Last evaluated: 2025-06-20. Review status: criteria provided, single submitter. Criteria: Invitae Variant Classification Sherloc (09022015). Collection method: clinical testing. Allele origin: germline.
Comment: This variant, c.1765_1767del, results in the deletion of 1 amino acid(s) of the MEN1 protein (p.Lys589del), but otherwise preserves the integrity of the reading frame. This variant is present in population databases (no rsID available, gnomAD 0.01%). This variant has not been reported in the literature in individuals affected with MEN1-related conditions. Experimental studies and prediction algorithms are not available or were not evaluated, and the functional significance of this variant is currently unknown. In summary, the available evidence is currently insufficient to determine the role of this variant in disease. Therefore, it has been classified as a Variant of Uncertain Significance.

Ambry Genetics
Classification: Uncertain significance for Hereditary cancer-predisposing syndrome. Last evaluated: 2023-07-07. Review status: criteria provided, single submitter. Criteria: Ambry Variant Classification Scheme 2023. Collection method: clinical testing. Allele origin: germline.
Comment: The c.1765_1767delAAG variant (also known as p.K589del) is located in coding exon 9 of the MEN1 gene. This variant results from an in-frame AAG deletion at nucleotide positions 1765 to 1767. This results in the in-frame deletion of a lysine at codon 589. This amino acid position is not well conserved in available vertebrate species. In addition, the in silico prediction for this alteration is inconclusive (Choi Y et al. PLoS ONE. 2012; 7(10):e46688). Since supporting evidence is limited at this time, the clinical significance of this alteration remains unclear.